The following is an entry in ClinVar:

NM_001040108.2(MLH3):c.3292del (p.Arg1098fs)

Gene: MLH3 (mutL homolog 3; minus strand). Cytogenetic location: 14q24.3.
Variant type: Deletion.
Coding change: c.3292del on transcript NM_001040108.2 (MANE Select); coding-DNA position 3292, one base deleted (A; older notation c.3292delA).
Protein change: p.Arg1098fs; shifts the reading frame from arginine 1098.
Molecular consequence: frameshift variant.
Genome position (GRCh38, 1-based): chr14:75,042,466, T deleted on the plus strand (A on the coding strand, the reverse complement: MLH3 is on the minus strand). VCF-style (leftmost placement, unchanged base first): chr14-75042465-CT-C. GRCh37 (hg19) VCF-style: chr14-75509168-CT-C.
Other names: c.3292del, p.Arg1098fs (NM_014381.3); short protein forms R1098fs.
Identifiers: ClinVar variation 2073627 (VCV002073627.5), dbSNP rs766738177, ClinGen allele CA7275541.

ClinVar aggregate classification (germline): Conflicting classifications of pathogenicity. Review status: criteria provided, conflicting classifications (1 of 4 stars). 2 submissions from 2 submitters: Pathogenic (1); Uncertain significance (1). Last evaluated 2026-03-03.

Conditions:
Colorectal cancer, hereditary nonpolyposis, type 7. Identifiers: Orphanet 144, MedGen C1858380, MONDO:0013725, OMIM 614385.

Allele frequency attached by ClinVar (database versions not stated): ExAC 0.00001.

Submissions (2):

Myriad Genetics, Inc.
Classification: Pathogenic for Colorectal cancer, hereditary nonpolyposis, type 7. Last evaluated: 2026-03-03. Review status: criteria provided, single submitter. Criteria: Myriad Autosomal Dominant, Autosomal Recessive and X-Linked Classification Criteria (2023). Collection method: clinical testing. Allele origin: unknown.
Comment: This variant is considered pathogenic. This variant creates a frameshift predicted to result in premature protein truncation.

Labcorp Genetics (formerly Invitae), Labcorp
Classification: Uncertain significance for Colorectal cancer, hereditary nonpolyposis, type 7. Last evaluated: 2025-10-01. Review status: criteria provided, single submitter. Criteria: Invitae Variant Classification Sherloc (09022015). Collection method: clinical testing. Allele origin: germline.
Comment: This sequence change creates a premature translational stop signal (p.Arg1098Glyfs*23) in the MLH3 gene. It is expected to result in an absent or disrupted protein product. However, the current clinical and genetic evidence is not sufficient to establish whether loss-of-function variants in MLH3 cause disease. This variant is present in population databases (rs766738177, gnomAD 0.003%). This variant has not been reported in the literature in individuals affected with MLH3-related conditions. ClinVar contains an entry for this variant (Variation ID: 2073627). In summary, the available evidence is currently insufficient to determine the role of this variant in disease. Therefore, it has been classified as a Variant of Uncertain Significance.